The following is an entry in ClinVar:

NM_001127222.2(CACNA1A):c.3190G>C (p.Asp1064His)

Gene: CACNA1A (calcium voltage-gated channel subunit alpha1 A; minus strand). Cytogenetic location: 19p13.13.
Variant type: single nucleotide variant.
Coding change: c.3190G>C on transcript NM_001127222.2 (MANE Select); coding-DNA position 3190, G replaced by C.
Protein change: p.Asp1064His; replaces aspartic acid 1064 with histidine.
Molecular consequence: missense variant.
Genome position (GRCh38, 1-based): chr19:13,286,866, C>G on the plus strand (G>C on the coding strand, the complement: CACNA1A is on the minus strand). VCF-style: chr19-13286866-C-G. GRCh37 (hg19) VCF-style: chr19-13397680-C-G.
Other names: c.3190G>C (NM_001127222.1); c.3193G>C, p.Asp1065His (NM_001174080.2, NM_001127221.2); c.3202G>C, p.Asp1068His (NM_023035.3, NM_000068.4); short protein forms D1064H, D1065H, D1068H.
Identifiers: ClinVar variation 2921950 (VCV002921950.4), dbSNP rs765452604, ClinGen allele CA404341884.

ClinVar aggregate classification (germline): Uncertain significance. Review status: criteria provided, multiple submitters, no conflicts (2 of 4 stars). 2 submissions from 2 submitters: Uncertain significance (2). Last evaluated 2024-12-03.

Conditions:
Episodic ataxia type 2 (EA2). Also called: ACETAZOLAMIDE-RESPONSIVE HEREDITARY PAROXYSMAL CEREBELLAR ATAXIA; ATAXIA, EPISODIC, WITH NYSTAGMUS; ATAXIA, FAMILIAL PAROXYSMAL; CEREBELLAR ATAXIA, PAROXYSMAL, ACETAZOLAMIDE-RESPONSIVE; CEREBELLOPATHY, HEREDITARY PAROXYSMAL; EPISODIC ATAXIA, NYSTAGMUS-ASSOCIATED. Identifiers: Orphanet 97, MedGen C1720416, MONDO:0007163, OMIM 108500.
Developmental and epileptic encephalopathy, 42 (DEE42A). Also called: Epileptic encephalopathy, early infantile, 42; DEVELOPMENTAL AND EPILEPTIC ENCEPHALOPATHY 42A; EPILEPTIC ENCEPHALOPATHY, EARLY INFANTILE, 42A. Identifiers: MedGen C4310716, MONDO:0014917, OMIM 617106.
CACNA1A-related disorder. Also called: CACNA1A-related condition.

Submissions (2):

PreventionGenetics, part of Exact Sciences
Classification: Uncertain significance for CACNA1A-related condition. Last evaluated: 2024-12-03. Review status: criteria provided, single submitter. Criteria: ACMG Guidelines, 2015. Collection method: clinical testing. Allele origin: germline.
Comment: The CACNA1A c.3190G>C variant is predicted to result in the amino acid substitution p.Asp1064His. To our knowledge, this variant has not been reported in the literature or in a large population database (gnomAD), indicating this variant is rare. At this time, the clinical significance of this variant is uncertain due to the absence of conclusive functional and genetic evidence.

Labcorp Genetics (formerly Invitae), Labcorp
Classification: Uncertain significance for Developmental and epileptic encephalopathy, 42; Episodic ataxia type 2. Last evaluated: 2024-02-10. Review status: criteria provided, single submitter. Criteria: Invitae Variant Classification Sherloc (09022015). Collection method: clinical testing. Allele origin: germline.
Comment: This sequence change replaces aspartic acid, which is acidic and polar, with histidine, which is basic and polar, at codon 1065 of the CACNA1A protein (p.Asp1065His). This variant is not present in population databases (gnomAD no frequency). This variant has not been reported in the literature in individuals affected with CACNA1A-related conditions. Advanced modeling of protein sequence and biophysical properties (such as structural, functional, and spatial information, amino acid conservation, physicochemical variation, residue mobility, and thermodynamic stability) has been performed at Invitae for this missense variant, however the output from this modeling did not meet the statistical confidence thresholds required to predict the impact of this variant on CACNA1A protein function. In summary, the available evidence is currently insufficient to determine the role of this variant in disease. Therefore, it has been classified as a Variant of Uncertain Significance.